The following is an entry in ClinVar:

ClinVar aggregate classification (germline): Uncertain significance (1 of 4 stars; one submission).

Conditions:
Inborn genetic diseases. Identifiers: MedGen C0950123, MeSH D030342.

Submission:

Ambry Genetics
Classification: Uncertain significance for Inborn genetic diseases. Last evaluated: 2025-09-27. Review status: criteria provided, single submitter. Criteria: Ambry Variant Classification Scheme 2023. Collection method: clinical testing. Allele origin: germline.
Comment: The c.722C>T (p.A241V) alteration is located in exon 2 (coding exon 1) of the REST gene. This alteration results from a C to T substitution at nucleotide position 722, causing the alanine (A) at amino acid position 241 to be replaced by a valine (V). Based on data from gnomAD, the T allele has an overall frequency of <0.001% (1/251476) total alleles studied. The highest observed frequency was 0.005% (1/18394) of East Asian alleles. Based on insufficient or conflicting evidence, the clinical significance of this alteration remains unclear.

NM_005612.5(REST):c.722C>T (p.Ala241Val)

Gene: REST (RE1 silencing transcription factor; plus strand). Cytogenetic location: 4q12.
Variant type: single nucleotide variant.
Coding change: c.722C>T on transcript NM_005612.5 (MANE Select); coding-DNA position 722, C replaced by T.
Protein change: p.Ala241Val; replaces alanine 241 with valine.
Molecular consequence: missense variant.
Genome position (GRCh38, 1-based): chr4:56,911,360, C>T. VCF-style: chr4-56911360-C-T. GRCh37 (hg19) VCF-style: chr4-57777526-C-T.
Other names: c.722C>T, p.Ala241Val (NM_001193508.2, NM_001363453.3, NM_001440532.1 and 1 more transcripts); short protein forms A241V.
Identifiers: ClinVar variation 4629056 (VCV004629056.1).
Genomic context (GRCh38, chr4:56,911,360, plus strand): 5'-GCGGCTACAATACTAATCGATATGATCACTATACAGCACACCTGAAACACCACACCAGAG[C>T]TGGGGATAATGAGCGAGTCTACAAGTGTATCATTTGCACATACACAACAGTGAGCGAGTA-3'
Protein context (NP_005603.3, residues 231-251): YTAHLKHHTR[Ala241Val]GDNERVYKCI